The following is an entry in ClinVar:

NM_015335.5(MED13L):c.4639C>A (p.Pro1547Thr)

Gene: MED13L (mediator complex subunit 13L; minus strand). Cytogenetic location: 12q24.21.
Variant type: single nucleotide variant.
Coding change: c.4639C>A on transcript NM_015335.5 (MANE Select); coding-DNA position 4639, C replaced by A.
Protein change: p.Pro1547Thr; replaces proline 1547 with threonine.
Molecular consequence: missense variant.
Genome position (GRCh38, 1-based): chr12:115,983,433, G>T on the plus strand (C>A on the coding strand, the complement: MED13L is on the minus strand). VCF-style: chr12-115983433-G-T. GRCh37 (hg19) VCF-style: chr12-116421238-G-T.
Other names: short protein forms P1547T.
Identifiers: ClinVar variation 2992630 (VCV002992630.3), dbSNP rs1877474653, ClinGen allele CA386883189.

ClinVar aggregate classification (germline): Uncertain significance (1 of 4 stars; one submission).

Conditions:
Dextro-looped transposition of the great arteries. Also called: Dextrotransposition of the great arteries. Identifiers: Orphanet 860, MedGen C3531771, MONDO:0019443, OMIM 608808, HP:0031348.

Allele frequency attached by ClinVar (database versions not stated): TOPMed below 0.00001.
gnomAD v4.1: 2 of 1,614,200 alleles (0.00012%); highest among the groups gnomAD compares: African/African-American, 0.0027%; no homozygotes.

Submission:

Labcorp Genetics (formerly Invitae), Labcorp
Classification: Uncertain significance for Dextro-looped transposition of the great arteries. Last evaluated: 2023-08-22. Review status: criteria provided, single submitter. Criteria: Invitae Variant Classification Sherloc (09022015). Collection method: clinical testing. Allele origin: germline.
Comment: In summary, the available evidence is currently insufficient to determine the role of this variant in disease. Therefore, it has been classified as a Variant of Uncertain Significance. Advanced modeling of protein sequence and biophysical properties (such as structural, functional, and spatial information, amino acid conservation, physicochemical variation, residue mobility, and thermodynamic stability) performed at Invitae indicates that this missense variant is not expected to disrupt MED13L protein function. This variant has not been reported in the literature in individuals affected with MED13L-related conditions. This variant is not present in population databases (gnomAD no frequency). This sequence change replaces proline, which is neutral and non-polar, with threonine, which is neutral and polar, at codon 1547 of the MED13L protein (p.Pro1547Thr).